The following is an entry in ClinVar:

NM_001429.4(EP300):c.2377C>T (p.Gln793Ter)

Gene: EP300 (EP300 lysine acetyltransferase; plus strand). Cytogenetic location: 22q13.2.
Variant type: single nucleotide variant.
Coding change: c.2377C>T on transcript NM_001429.4 (MANE Select); coding-DNA position 2377, C replaced by T.
Protein change: p.Gln793Ter; replaces glutamine 793 with a stop codon.
Molecular consequence: nonsense.
Genome position (GRCh38, 1-based): chr22:41,149,173, C>T. VCF-style: chr22-41149173-C-T. GRCh37 (hg19) VCF-style: chr22-41545177-C-T.
Other names: c.2299C>T, p.Gln767Ter (NM_001362843.2); short protein forms Q793*, Q767*.
Identifiers: ClinVar variation 4795376 (VCV004795376.1).

ClinVar aggregate classification (germline): Pathogenic (1 of 4 stars; one submission).

Submission:

GeneDx
Classification: Pathogenic. Last evaluated: 2025-08-12. Review status: criteria provided, single submitter. Criteria: GeneDx Variant Classification Process June 2021. Collection method: clinical testing. Allele origin: germline. Affected: yes.
Comment: Nonsense variant predicted to result in protein truncation or nonsense mediated decay in a gene for which loss of function is a known mechanism of disease; Reported in association with Rubinstein-Taybi syndrome (PMID: 26486927); Not observed at significant frequency in large population cohorts (gnomAD); This variant is associated with the following publications: (PMID: 26486927)